The following is an entry in ClinVar:

NM_001375524.1(TRRAP):c.8274T>C (p.Leu2758=)

Gene: TRRAP (transformation/transcription domain associated protein; plus strand). Cytogenetic location: 7q22.1.
Variant type: single nucleotide variant.
Coding change: c.8274T>C on transcript NM_001375524.1 (MANE Select); coding-DNA position 8274, T replaced by C.
Protein change: p.Leu2758=; no amino-acid change (leucine 2758 retained).
Molecular consequence: synonymous variant.
Genome position (GRCh38, 1-based): chr7:98,976,965, T>C. VCF-style: chr7-98976965-T-C. GRCh37 (hg19) VCF-style: chr7-98574588-T-C.
Other names: c.8253T>C, p.Leu2751= (NM_001244580.2); c.8199T>C, p.Leu2733= (NM_003496.4); c.8199T>C (NM_003496.3).
Identifiers: ClinVar variation 2190674 (VCV002190674.6), dbSNP rs138515561, ClinGen allele CA4361392.

ClinVar aggregate classification (germline): Benign. Review status: criteria provided, single submitter (1 of 4 stars). 2 submissions from 2 submitters: Benign (1). 1 of the submissions does not count toward it. Last evaluated 2025-08-18.

Conditions:
TRRAP-related disorder. Also called: TRRAP-related condition.

Allele frequency attached by ClinVar (database versions not stated): gnomAD exomes 0.00005; ExAC 0.00014; 1000 Genomes Project 0.00100; 1000 Genomes Project 30x 0.00172; TOPMed 0.00034; gnomAD 0.00041; ESP Exome Variant Server 0.00054.

Submissions (2):

Labcorp Genetics (formerly Invitae), Labcorp
Classification: Benign. Last evaluated: 2025-08-18. Review status: criteria provided, single submitter. Criteria: Invitae Variant Classification Sherloc (09022015). Collection method: clinical testing. Allele origin: germline.

PreventionGenetics, part of Exact Sciences
Classification: Likely benign for TRRAP-related condition. Last evaluated: 2019-07-11. Review status: no assertion criteria provided. Collection method: clinical testing. Allele origin: germline. Not counted in ClinVar's aggregate classification.
Comment: This variant is classified as likely benign based on ACMG/AMP sequence variant interpretation guidelines (Richards et al. 2015 PMID: 25741868, with internal and published modifications).